The following is an entry in ClinVar:

ClinVar aggregate classification (germline): Uncertain significance. Review status: criteria provided, multiple submitters, no conflicts (2 of 4 stars). 5 submissions from 5 submitters: Uncertain significance (5). Last evaluated 2026-09-09.

Conditions:
Hypertrophic cardiomyopathy. Also called: HYPERTROPHIC MYOCARDIOPATHY. Identifiers: Orphanet 217569, MedGen C0007194, MeSH D002312, MONDO:0005045, HP:0001639.
Chest pain. Identifiers: MedGen C0008031, HP:0100749.
Cardiovascular phenotype. Identifiers: MedGen CN230736.
Hypertrophic cardiomyopathy 14. Identifiers: MedGen C2750467, MONDO:0013197, OMIM 613251.
MYH6-related disorder. Also called: MYH6-related condition; MYH6-Related Disorders.

Allele frequency attached by ClinVar (database versions not stated): ExAC 0.00001; TOPMed 0.00001; gnomAD exomes 0.00002.

Submissions (5):

PreventionGenetics, part of Exact Sciences
Classification: Uncertain significance for MYH6-related condition. Last evaluated: 2026-09-09. Review status: criteria provided, single submitter. Criteria: ACMG Guidelines, 2015. Collection method: clinical testing. Allele origin: germline.
Comment: The MYH6 c.5111C>T variant is predicted to result in the amino acid substitution p.Ala1704Val. This variant has been reported in an individual with hypertrophic cardiomyopathy (Cecconi et al. 2016. PubMed ID: 27600940). This variant is reported in 0.0062% of alleles in individuals of African descent in gnomAD. At this time, the clinical significance of this variant is uncertain due to the absence of conclusive functional and genetic evidence.

Labcorp Genetics (formerly Invitae), Labcorp
Classification: Uncertain significance for Hypertrophic cardiomyopathy 14. Last evaluated: 2024-10-15. Review status: criteria provided, single submitter. Criteria: Invitae Variant Classification Sherloc (09022015). Collection method: clinical testing. Allele origin: germline.
Comment: This sequence change replaces alanine, which is neutral and non-polar, with valine, which is neutral and non-polar, at codon 1704 of the MYH6 protein (p.Ala1704Val). This variant is present in population databases (rs776961989, gnomAD 0.007%). This missense change has been observed in individual(s) with cardiomyopathy (PMID: 27600940). ClinVar contains an entry for this variant (Variation ID: 523452). Invitae Evidence Modeling of protein sequence and biophysical properties (such as structural, functional, and spatial information, amino acid conservation, physicochemical variation, residue mobility, and thermodynamic stability) indicates that this missense variant is not expected to disrupt MYH6 protein function with a negative predictive value of 80%. In summary, the available evidence is currently insufficient to determine the role of this variant in disease. Therefore, it has been classified as a Variant of Uncertain Significance.

Ambry Genetics
Classification: Uncertain significance for Cardiovascular phenotype. Last evaluated: 2024-06-10. Review status: criteria provided, single submitter. Criteria: Ambry Variant Classification Scheme 2023. Collection method: clinical testing. Allele origin: germline.
Comment: The p.A1704V variant (also known as c.5111C>T), located in coding exon 32 of the MYH6 gene, results from a C to T substitution at nucleotide position 5111. The alanine at codon 1704 is replaced by valine, an amino acid with similar properties. This amino acid position is highly conserved in available vertebrate species. In addition, the in silico prediction for this alteration is inconclusive. Based on the available evidence, the clinical significance of this variant remains unclear.

Women's Health and Genetics/Laboratory Corporation of America, LabCorp
Classification: Uncertain significance. Last evaluated: 2020-06-29. Review status: criteria provided, single submitter. Criteria: LabCorp Variant Classification Summary - May 2015. Collection method: clinical testing. Allele origin: germline.
Comment: Variant summary: MYH6 c.5111C>T (p.Ala1704Val) results in a non-conservative amino acid change in the encoded protein sequence. Three of five in-silico tools predict a damaging effect of the variant on protein function. The variant allele was found at a frequency of 1.6e-05 in 250820 control chromosomes. The available data on variant occurrences in the general population are insufficient to allow any conclusion about variant significance. c.5111C>T has been reported in the literature in individuals affected with HCM (Cecconi_2016). These reports do not provide unequivocal conclusions about association of the variant with Cardiomyopathy. To our knowledge, no experimental evidence demonstrating an impact on protein function has been reported. Two clinical diagnostic laboratories have submitted clinical-significance assessments for this variant to ClinVar after 2014 without evidence for independent evaluation. Both laboratories classified the variant as uncertain significance. Based on the evidence outlined above, the variant was classified as uncertain significance.

Centre for Mendelian Genomics, University Medical Centre Ljubljana
Classification: Uncertain significance for Chest pain; Hypertrophic cardiomyopathy. Last evaluated: 2017-01-01. Review status: criteria provided, single submitter. Criteria: ACMG Guidelines, 2015. Collection method: clinical testing. Allele origin: unknown. Affected: yes.

Literature cited by the submitters: PubMed 27600940 (cited by Labcorp Genetics (formerly Invitae), Labcorp and Women's Health and Genetics/Laboratory Corporation of America, LabCorp).

NM_002471.4(MYH6):c.5111C>T (p.Ala1704Val)

Genes: MYH6 (myosin heavy chain 6; minus strand), LOC126861896 (BRD4-independent group 4 enhancer GRCh37_chr14:23854904-23856103; plus strand). Cytogenetic location: 14q11.2.
Variant type: single nucleotide variant.
Coding change: c.5111C>T on transcript NM_002471.4 (MANE Select); coding-DNA position 5111, C replaced by T.
Protein change: p.Ala1704Val; replaces alanine 1704 with valine.
Molecular consequence: missense variant.
Genome position (GRCh38, 1-based): chr14:23,385,980, G>A on the plus strand (C>T on the coding strand, the complement: MYH6 is on the minus strand). VCF-style: chr14-23385980-G-A. GRCh37 (hg19) VCF-style: chr14-23855189-G-A.
Other names: short protein forms A1704V.
Identifiers: ClinVar variation 523452 (VCV000523452.13), dbSNP rs776961989, ClinGen allele CA7114544.